The following is an entry in ClinVar:

ClinVar aggregate classification (germline): Conflicting classifications of pathogenicity. Review status: criteria provided, conflicting classifications (1 of 4 stars). 4 submissions from 4 submitters: Pathogenic (1); Uncertain significance (3). Last evaluated 2025-03-18.

Conditions:
Deficiency of isobutyryl-CoA dehydrogenase. Also called: ACAD8 DEFICIENCY; ACYL-CoA DEHYDROGENASE FAMILY, MEMBER 8, DEFICIENCY OF; IBD DEFICIENCY. Identifiers: Orphanet 79159, MedGen C1969809, MONDO:0012648, OMIM 611283.

Allele frequency attached by ClinVar (database versions not stated): ExAC 0.00002; gnomAD exomes 0.00002 and 0.00003; gnomAD 0.00003 and 0.00004; TOPMed 0.00006; ESP Exome Variant Server 0.00008.
gnomAD v4.1: 53 of 1,613,472 alleles (0.0033%); highest among the groups gnomAD compares: Non-Finnish European, 0.0041%; no homozygotes.

Submissions (4):

Labcorp Genetics (formerly Invitae), Labcorp
Classification: Pathogenic for Deficiency of isobutyryl-CoA dehydrogenase. Last evaluated: 2025-03-18. Review status: criteria provided, single submitter. Criteria: Invitae Variant Classification Sherloc (09022015). Collection method: clinical testing. Allele origin: germline.
Comment: This sequence change replaces glycine, which is neutral and non-polar, with arginine, which is basic and polar, at codon 137 of the ACAD8 protein (p.Gly137Arg). This variant is present in population databases (rs371449613, gnomAD 0.003%). This missense change has been observed in individual(s) with isobutyryl-CoA dehydrogenase deficiency (PMID: 16857760, 35154245). In at least one individual the data is consistent with being in trans (on the opposite chromosome) from a pathogenic variant. ClinVar contains an entry for this variant (Variation ID: 468863). Invitae Evidence Modeling of protein sequence and biophysical properties (such as structural, functional, and spatial information, amino acid conservation, physicochemical variation, residue mobility, and thermodynamic stability) indicates that this missense variant is expected to disrupt ACAD8 protein function with a positive predictive value of 95%. Experimental studies have shown that this missense change affects ACAD8 function (PMID: 16857760). Algorithms developed to predict the effect of sequence changes on RNA splicing suggest that this variant may disrupt the consensus splice site. For these reasons, this variant has been classified as Pathogenic.

GeneDx
Classification: Uncertain significance. Last evaluated: 2023-10-23. Review status: criteria provided, single submitter. Criteria: GeneDx Variant Classification Process June 2021. Collection method: clinical testing. Allele origin: germline. Affected: yes.
Comment: Not observed at significant frequency in large population cohorts (gnomAD); In silico analysis supports that this missense variant has a deleterious effect on protein structure/function; In silico analysis is inconclusive as to whether the variant alters gene splicing. In the absence of RNA/functional studies, the actual effect of this sequence change is unknown.; This variant is associated with the following publications: (PMID: 24635911, 34426522, 16857760, 35154245)

Revvity Omics, Revvity
Classification: Uncertain significance for Deficiency of isobutyryl-CoA dehydrogenase. Last evaluated: 2020-09-22. Review status: criteria provided, single submitter. Criteria: ACMG Guidelines, 2015. Collection method: clinical testing. Allele origin: germline.

CeGaT Center for Human Genetics Tuebingen
Classification: Uncertain significance. Last evaluated: 2017-01-01. Review status: criteria provided, single submitter. Criteria: CeGaT Center For Human Genetics Tuebingen Variant Classification Criteria Version 2. Collection method: clinical testing. Allele origin: germline. Affected: yes. Observed: 1 variant allele.

Literature cited by the submitters: PubMed 16857760 (cited by Labcorp Genetics (formerly Invitae), Labcorp); PubMed 35154245 (cited by Labcorp Genetics (formerly Invitae), Labcorp).

NM_014384.3(ACAD8):c.409G>A (p.Gly137Arg)

Gene: ACAD8 (acyl-CoA dehydrogenase family member 8; plus strand). Cytogenetic location: 11q25.
Variant type: single nucleotide variant.
Coding change: c.409G>A on transcript NM_014384.3 (MANE Select); coding-DNA position 409, G replaced by A.
Protein change: p.Gly137Arg; replaces glycine 137 with arginine.
Molecular consequence: missense variant.
Genome position (GRCh38, 1-based): chr11:134,258,543, G>A. VCF-style: chr11-134258543-G-A. GRCh37 (hg19) VCF-style: chr11-134128437-G-A.
Other names: short protein forms G137R.
Identifiers: ClinVar variation 468863 (VCV000468863.54), dbSNP rs371449613, ClinGen allele CA6372940.